The following is an entry in ClinVar:

NM_001368882.1(COL13A1):c.1579C>T (p.Pro527Ser)

Gene: COL13A1 (collagen type XIII alpha 1 chain; plus strand). Cytogenetic location: 10q22.1.
Variant type: single nucleotide variant.
Coding change: c.1579C>T on transcript NM_001368882.1 (MANE Select); coding-DNA position 1579, C replaced by T.
Protein change: p.Pro527Ser; replaces proline 527 with serine.
Molecular consequence: missense variant.
Genome position (GRCh38, 1-based): chr10:69,930,448, C>T. VCF-style: chr10-69930448-C-T. GRCh37 (hg19) VCF-style: chr10-71690204-C-T.
Other names: c.1546C>T, p.Pro516Ser (NM_001130103.2); c.1516C>T, p.Pro506Ser (NM_001320951.2, NM_001368884.1); c.1543C>T, p.Pro515Ser (NM_001368883.1); c.1480C>T, p.Pro494Ser (NM_001368885.1, NM_080801.4, NM_080802.4); c.916C>T, p.Pro306Ser (NM_001368886.1); c.1489C>T, p.Pro497Ser (NM_001368895.1, NM_080800.4); c.1375C>T, p.Pro459Ser (NM_001368896.1, NM_001368898.1, NM_080798.4); c.1402C>T, p.Pro468Ser (NM_001368897.1); and 2 more; short protein forms P497S, P516S, P459S, P468S, P494S, P527S, P306S, P465S.
Identifiers: ClinVar variation 1907339 (VCV001907339.6), dbSNP rs1415828093, ClinGen allele CA376931271.

ClinVar aggregate classification (germline): Uncertain significance. Review status: criteria provided, multiple submitters, no conflicts (2 of 4 stars). 2 submissions from 2 submitters: Uncertain significance (2). Last evaluated 2022-02-18.

Conditions:
Inborn genetic diseases. Identifiers: MedGen C0950123, MeSH D030342.

Allele frequency attached by ClinVar (database versions not stated): gnomAD exomes below 0.00001.
gnomAD v4.1: 6 of 1,613,634 alleles (0.00037%); highest among the groups gnomAD compares: Admixed American, 0.0017%; no homozygotes.

Submissions (2):

Labcorp Genetics (formerly Invitae), Labcorp
Classification: Uncertain significance. Last evaluated: 2022-02-18. Review status: criteria provided, single submitter. Criteria: Invitae Variant Classification Sherloc (09022015). Collection method: clinical testing. Allele origin: germline.
Comment: In summary, the available evidence is currently insufficient to determine the role of this variant in disease. Therefore, it has been classified as a Variant of Uncertain Significance. Algorithms developed to predict the effect of missense changes on protein structure and function are either unavailable or do not agree on the potential impact of this missense change (SIFT: "Tolerated"; PolyPhen-2: "Probably Damaging"; Align-GVGD: "Class C0"). This variant has not been reported in the literature in individuals affected with COL13A1-related conditions. This variant is present in population databases (no rsID available, gnomAD 0.0009%). This sequence change replaces proline, which is neutral and non-polar, with serine, which is neutral and polar, at codon 516 of the COL13A1 protein (p.Pro516Ser).

Ambry Genetics
Classification: Uncertain significance for Inborn genetic diseases. Last evaluated: 2021-09-21. Review status: criteria provided, single submitter. Criteria: Ambry Variant Classification Scheme 2023. Collection method: clinical testing. Allele origin: germline.